The following is an entry in ClinVar:

NM_001042492.3(NF1):c.3808T>A (p.Ser1270Thr)

Gene: NF1 (neurofibromin 1; plus strand). Cytogenetic location: 17q11.2.
Variant type: single nucleotide variant.
Coding change: c.3808T>A on transcript NM_001042492.3 (MANE Select); coding-DNA position 3808, T replaced by A.
Protein change: p.Ser1270Thr; replaces serine 1270 with threonine.
Molecular consequence: missense variant.
Genome position (GRCh38, 1-based): chr17:31,235,710, T>A. VCF-style: chr17-31235710-T-A. GRCh37 (hg19) VCF-style: chr17-29562728-T-A.
Other names: c.3808T>A, p.Ser1270Thr (NM_000267.4); short protein forms S1270T.
Identifiers: ClinVar variation 824244 (VCV000824244.10), dbSNP rs1597722567, ClinGen allele CA398992681.

ClinVar aggregate classification (germline): Uncertain significance. Review status: criteria provided, multiple submitters, no conflicts (2 of 4 stars). 3 submissions from 3 submitters: Uncertain significance (3). Last evaluated 2024-08-26.

Conditions:
Hereditary cancer-predisposing syndrome. Also called: Neoplastic Syndromes, Hereditary; Hereditary Cancer Syndrome; Hereditary neoplastic syndrome; Tumor predisposition. Identifiers: Orphanet 140162, MedGen C0027672, MeSH D009386, MONDO:0015356.
Cardiovascular phenotype. Identifiers: MedGen CN230736.
Neurofibromatosis, type 1 (NF1). Also called: Neurofibromatosis, type I; Peripheral type neurofibromatosis; VON RECKLINGHAUSEN DISEASE; NEUROFIBROMATOSIS, TYPE I, SOMATIC. Identifiers: Orphanet 636, MedGen C0027831, MONDO:0018975, OMIM 162200. Disease mechanism: loss of function.

Submissions (3):

Labcorp Genetics (formerly Invitae), Labcorp
Classification: Uncertain significance for Neurofibromatosis, type 1. Last evaluated: 2024-08-26. Review status: criteria provided, single submitter. Criteria: Invitae Variant Classification Sherloc (09022015). Collection method: clinical testing. Allele origin: germline.
Comment: This sequence change replaces serine, which is neutral and polar, with threonine, which is neutral and polar, at codon 1270 of the NF1 protein (p.Ser1270Thr). This variant is not present in population databases (gnomAD no frequency). This variant has not been reported in the literature in individuals affected with NF1-related conditions. ClinVar contains an entry for this variant (Variation ID: 824244). Invitae Evidence Modeling of protein sequence and biophysical properties (such as structural, functional, and spatial information, amino acid conservation, physicochemical variation, residue mobility, and thermodynamic stability) indicates that this missense variant is expected to disrupt NF1 protein function with a positive predictive value of 95%. In summary, the available evidence is currently insufficient to determine the role of this variant in disease. Therefore, it has been classified as a Variant of Uncertain Significance.

Genome-Nilou Lab
Classification: Uncertain significance for Neurofibromatosis, type 1. Last evaluated: 2022-03-15. Review status: criteria provided, single submitter. Criteria: ACMG Guidelines, 2015. Collection method: clinical testing. Allele origin: germline. Affected: no.

Ambry Genetics
Classification: Uncertain significance for Cardiovascular phenotype; Hereditary cancer-predisposing syndrome. Last evaluated: 2019-09-18. Review status: criteria provided, single submitter. Criteria: Ambry Variant Classification Scheme 2023. Collection method: clinical testing. Allele origin: germline.
Comment: The p.S1270T variant (also known as c.3808T>A), located in coding exon 28 of the NF1 gene, results from a T to A substitution at nucleotide position 3808. The serine at codon 1270 is replaced by threonine, an amino acid with similar properties. This amino acid position is highly conserved in available vertebrate species. In addition, the in silico prediction for this alteration is inconclusive. Since supporting evidence is limited at this time, the clinical significance of this alteration remains unclear.